The following is an entry in ClinVar:

ClinVar aggregate classification (germline): Pathogenic (1 of 4 stars; one submission).

Conditions:
Short-rib thoracic dysplasia 14 with polydactyly (SRTD14). Identifiers: Orphanet 397715, MedGen C4225286, MONDO:0014688, OMIM 616546.
Joubert syndrome 23 (JBTS23). Identifiers: Orphanet 475, MedGen C4084822, MONDO:0014664, OMIM 616490.

gnomAD v4.1: 1 of 1,585,088 alleles (0.000063%); no homozygotes.

Submission:

Labcorp Genetics (formerly Invitae), Labcorp
Classification: Pathogenic for Joubert syndrome 23; Short-rib thoracic dysplasia 14 with polydactyly. Last evaluated: 2025-11-02. Review status: criteria provided, single submitter. Criteria: Invitae Variant Classification Sherloc (09022015). Collection method: clinical testing. Allele origin: germline.
Comment: This sequence change creates a premature translational stop signal (p.Gln1013*) in the KIAA0586 gene. It is expected to result in an absent or disrupted protein product. Loss-of-function variants in KIAA0586 are known to be pathogenic (PMID: 26096313, 26166481, 26386044). This variant is not present in population databases (gnomAD no frequency). This variant has not been reported in the literature in individuals affected with KIAA0586-related conditions. Algorithms developed to predict the effect of sequence changes on RNA splicing suggest that this variant may disrupt the consensus splice site. For these reasons, this variant has been classified as Pathogenic.

Literature cited by the submitters: PubMed 26096313; PubMed 26166481; PubMed 26386044.

NM_001329943.3(KIAA0586):c.2878C>T (p.Gln960Ter)

Gene: KIAA0586 (KIAA0586; plus strand). Cytogenetic location: 14q23.1.
Variant type: single nucleotide variant.
Coding change: c.2878C>T on transcript NM_001329943.3 (MANE Select); coding-DNA position 2878, C replaced by T.
Protein change: p.Gln960Ter; replaces glutamine 960 with a stop codon.
Molecular consequence: nonsense.
Genome position (GRCh38, 1-based): chr14:58,477,175, C>T. VCF-style: chr14-58477175-C-T. GRCh37 (hg19) VCF-style: chr14-58943893-C-T.
Other names: c.3037C>T, p.Gln1013Ter (NM_001244189.2); c.2833C>T, p.Gln945Ter (NM_001244190.2); c.2623C>T, p.Gln875Ter (NM_001244191.2, NM_001329945.2, NM_001364700.1 and 1 more transcripts); c.2746C>T, p.Gln916Ter (NM_001244192.2); c.2458C>T, p.Gln820Ter (NM_001244193.2); c.2878C>T, p.Gln960Ter (NM_001329944.2, NM_001329946.2, NM_001329947.2); c.2650C>T, p.Gln884Ter (NM_014749.5); short protein forms Q820*, Q945*, Q960*, Q875*, Q884*, Q916*, Q1013*.
Identifiers: ClinVar variation 4788991 (VCV004788991.1).
Genomic context (GRCh38, chr14:58,477,175, plus strand): 5'-CCTCTCAGGGTAGAGCAAGAAATAATGTCAAGAATTATCTCTGGGCTCTTTCCAGTCCAG[C>T]AACAGATTGCACCTAGTATCAGTGTTTCAGTCAGTGAGACAAGTGAACCACTGACTTCTG-3'